The following is an entry in ClinVar:

NM_032119.4(ADGRV1):c.3168A>C (p.Glu1056Asp)

Gene: ADGRV1 (adhesion G protein-coupled receptor V1; plus strand). Cytogenetic location: 5q14.3.
Variant type: single nucleotide variant.
Coding change: c.3168A>C on transcript NM_032119.4 (MANE Select); coding-DNA position 3168, A replaced by C.
Protein change: p.Glu1056Asp; replaces glutamic acid 1056 with aspartic acid.
Molecular consequence: missense variant. On other transcripts: non-coding transcript variant (1).
Genome position (GRCh38, 1-based): chr5:90,647,643, A>C. VCF-style: chr5-90647643-A-C. GRCh37 (hg19) VCF-style: chr5-89943460-A-C.
Other names: short protein forms E1056D.
Identifiers: ClinVar variation 1316084 (VCV001316084.10), dbSNP rs746968764, ClinGen allele CA3339112.

ClinVar aggregate classification (germline): Uncertain significance. Review status: criteria provided, multiple submitters, no conflicts (2 of 4 stars). 5 submissions from 5 submitters: Uncertain significance (4). 1 of the submissions does not count toward it. Last evaluated 2025-07-08.

Conditions:
Inborn genetic diseases. Identifiers: MedGen C0950123, MeSH D030342.
ADGRV1-related disorder. Also called: ADGRV1-related condition; ADGRV1-related disorders.

Allele frequency attached by ClinVar (database versions not stated): gnomAD exomes below 0.00001 and 0.00002; ExAC 0.00001; gnomAD 0.00001; TOPMed 0.00002.
gnomAD v4.1: 28 of 1,613,874 alleles (0.0017%); highest among the groups gnomAD compares: Non-Finnish European, 0.0024%; no homozygotes.

Submissions (5):

Ambry Genetics
Classification: Uncertain significance for Inborn genetic diseases. Last evaluated: 2025-07-08. Review status: criteria provided, single submitter. Criteria: Ambry Variant Classification Scheme 2023. Collection method: clinical testing. Allele origin: germline.

Blueprint Genetics
Classification: Uncertain significance. Last evaluated: 2024-10-08. Review status: criteria provided, single submitter. Criteria: ACMG Guidelines, 2015. Collection method: clinical testing. Allele origin: germline.

Labcorp Genetics (formerly Invitae), Labcorp
Classification: Uncertain significance. Last evaluated: 2024-02-24. Review status: criteria provided, single submitter. Criteria: Invitae Variant Classification Sherloc (09022015). Collection method: clinical testing. Allele origin: germline.
Comment: This sequence change replaces glutamic acid, which is acidic and polar, with aspartic acid, which is acidic and polar, at codon 1056 of the ADGRV1 protein (p.Glu1056Asp). This variant is present in population databases (rs746968764, gnomAD 0.0009%). This variant has not been reported in the literature in individuals affected with ADGRV1-related conditions. ClinVar contains an entry for this variant (Variation ID: 1316084). Algorithms developed to predict the effect of missense changes on protein structure and function output the following: SIFT: "Not Available"; PolyPhen-2: "Possibly Damaging"; Align-GVGD: "Not Available". The aspartic acid amino acid residue is found in multiple mammalian species, which suggests that this missense change does not adversely affect protein function. In summary, the available evidence is currently insufficient to determine the role of this variant in disease. Therefore, it has been classified as a Variant of Uncertain Significance.

GeneDx
Classification: Uncertain significance. Last evaluated: 2020-02-03. Review status: criteria provided, single submitter. Criteria: GeneDx Variant Classification Process June 2021. Collection method: clinical testing. Allele origin: germline. Affected: yes.
Comment: Not observed at a significant frequency in large population cohorts (Lek et al., 2016); In silico analysis supports that this missense variant does not alter protein structure/function; Has not been previously published as pathogenic or benign to our knowledge

PreventionGenetics, part of Exact Sciences
Classification: Uncertain significance for ADGRV1-related condition. Last evaluated: 2024-07-13. Review status: no assertion criteria provided. Collection method: clinical testing. Allele origin: germline. Not counted in ClinVar's aggregate classification.
Comment: The ADGRV1 c.3168A>C variant is predicted to result in the amino acid substitution p.Glu1056Asp. To our knowledge, this variant has not been reported in the literature. This variant is reported in 0.00089% of alleles in individuals of European (Non-Finnish) descent in gnomAD. At this time, the clinical significance of this variant is uncertain due to the absence of conclusive functional and genetic evidence.